The following is an entry in ClinVar:

ClinVar aggregate classification (germline): Uncertain significance (1 of 4 stars; one submission).

gnomAD v4.1: 1 of 1,613,760 alleles (0.000062%); highest among the groups gnomAD compares: Non-Finnish European, 0.000085%; no homozygotes.

Submission:

Labcorp Genetics (formerly Invitae), Labcorp
Classification: Uncertain significance. Last evaluated: 2024-02-25. Review status: criteria provided, single submitter. Criteria: Invitae Variant Classification Sherloc (09022015). Collection method: clinical testing. Allele origin: germline.
Comment: This sequence change replaces serine, which is neutral and polar, with glycine, which is neutral and non-polar, at codon 293 of the PROM1 protein (p.Ser293Gly). This variant is not present in population databases (gnomAD no frequency). This variant has not been reported in the literature in individuals affected with PROM1-related conditions. Advanced modeling of protein sequence and biophysical properties (such as structural, functional, and spatial information, amino acid conservation, physicochemical variation, residue mobility, and thermodynamic stability) performed at Invitae indicates that this missense variant is not expected to disrupt PROM1 protein function with a negative predictive value of 80%. In summary, the available evidence is currently insufficient to determine the role of this variant in disease. Therefore, it has been classified as a Variant of Uncertain Significance.

NM_006017.3(PROM1):c.877A>G (p.Ser293Gly)

Gene: PROM1 (prominin 1; minus strand). Cytogenetic location: 4p15.32.
Variant type: single nucleotide variant.
Coding change: c.877A>G on transcript NM_006017.3 (MANE Select); coding-DNA position 877, A replaced by G.
Protein change: p.Ser293Gly; replaces serine 293 with glycine.
Molecular consequence: missense variant.
Genome position (GRCh38, 1-based): chr4:16,018,448, T>C on the plus strand (A>G on the coding strand, the complement: PROM1 is on the minus strand). VCF-style: chr4-16018448-T-C. GRCh37 (hg19) VCF-style: chr4-16020071-T-C.
Other names: c.850A>G, p.Ser284Gly (NM_001145848.2, NM_001145851.2, NM_001145852.2 and 4 more transcripts); c.877A>G, p.Ser293Gly (NM_001145849.2, NM_001145850.2); short protein forms S293G, S284G.
Identifiers: ClinVar variation 3643323 (VCV003643323.2).